The following is an entry in ClinVar:

ClinVar aggregate classification (germline): Pathogenic (1 of 4 stars; one submission).

Conditions:
Polycystic kidney disease, adult type (PKD1). Also called: Polycystic Kidney Disease 1, Autosomal Dominant; POLYCYSTIC KIDNEY DISEASE, ADULT, TYPE I; Polycystic kidney disease 1; Polycystic kidney disease 1, severe; POLYCYSTIC KIDNEY DISEASE 1 WITH OR WITHOUT POLYCYSTIC LIVER DISEASE; Polycystic Kidney, Autosomal Dominant. Identifiers: MedGen C3149841, MONDO:0008263, OMIM 173900.

Submission:

MVZ Medizinische Genetik Mainz
Classification: Pathogenic for Polycystic kidney disease, adult type. Last evaluated: 2026-03-19. Review status: criteria provided, single submitter. Criteria: UK Practice Guidelines For Variant Classification V4 01 2020. Collection method: clinical testing. Allele origin: germline. Inheritance: Autosomal dominant inheritance. Affected: yes. Observed: 1 variant allele.
Comment: ACMG Criteria: PVS1,PM2_SUP,PP4

NM_001009944.3(PKD1):c.333del (p.Phe111fs)

Gene: PKD1 (polycystin 1, transient receptor potential channel interacting; minus strand). Cytogenetic location: 16p13.3.
Variant type: Deletion.
Coding change: c.333del on transcript NM_001009944.3 (MANE Select); coding-DNA position 333, one base deleted (T; older notation c.333delT).
Protein change: p.Phe111fs; shifts the reading frame from phenylalanine 111.
Molecular consequence: frameshift variant.
Genome position (GRCh38, 1-based): chr16:2,119,140, A deleted on the plus strand (T on the coding strand, the reverse complement: PKD1 is on the minus strand); the first of 3 consecutive A bases (chr16:2,119,140-2,119,142); deleting any one gives the same sequence. VCF-style (leftmost placement, unchanged base first): chr16-2119139-CA-C. GRCh37 (hg19) VCF-style: chr16-2169140-CA-C.
Other names: c.333del, p.Phe111fs (NM_000296.4); short protein forms F111fs.
Identifiers: ClinVar variation 5038104 (VCV005038104.1).